The following is an entry in ClinVar:

NM_001039141.3(TRIOBP):c.1306G>A (p.Asp436Asn)

Gene: TRIOBP (TRIO and F-actin binding protein; plus strand). Cytogenetic location: 22q13.1.
Variant type: single nucleotide variant.
Coding change: c.1306G>A on transcript NM_001039141.3 (MANE Select); coding-DNA position 1306, G replaced by A.
Protein change: p.Asp436Asn; replaces aspartic acid 436 with asparagine.
Molecular consequence: missense variant.
Genome position (GRCh38, 1-based): chr22:37,723,862, G>A. VCF-style: chr22-37723862-G-A. GRCh37 (hg19) VCF-style: chr22-38119869-G-A.
Other names: p.Asp436Asn; short protein forms D436N.
Identifiers: ClinVar variation 508575 (VCV000508575.11), dbSNP rs75659869, ClinGen allele CA10223574.

ClinVar aggregate classification (germline): Benign. Review status: criteria provided, multiple submitters, no conflicts (2 of 4 stars). 4 submissions from 4 submitters: Benign (4). Last evaluated 2026-02-02.

Allele frequency attached by ClinVar (database versions not stated): 1000 Genomes Project 0.02476; 1000 Genomes Project 30x 0.02514; gnomAD 0.05074 and 0.05161; gnomAD exomes 0.05448 and 0.06875; ESP Exome Variant Server 0.05588; ExAC 0.05621.
gnomAD v4.1: 105,875 of 1,589,444 alleles (6.7%); highest among the groups gnomAD compares: Non-Finnish European, 7.7%; 4,406 homozygotes.

Submissions (4):

Labcorp Genetics (formerly Invitae), Labcorp
Classification: Benign. Last evaluated: 2026-02-02. Review status: criteria provided, single submitter. Criteria: Invitae Variant Classification Sherloc (09022015). Collection method: clinical testing. Allele origin: germline.

Mayo Clinic Laboratories, Mayo Clinic
Classification: Benign. Last evaluated: 2020-12-04. Review status: criteria provided, single submitter. Criteria: ACMG Guidelines, 2015. Collection method: clinical testing. Allele origin: germline. Observed: 18 variant alleles.

GeneDx
Classification: Benign. Last evaluated: 2017-05-09. Review status: criteria provided, single submitter. Criteria: GeneDx Variant Classification (06012015). Collection method: clinical testing. Allele origin: germline. Affected: yes.
Comment: This variant is considered likely benign or benign based on one or more of the following criteria: it is a conservative change, it occurs at a poorly conserved position in the protein, it is predicted to be benign by multiple in silico algorithms, and/or has population frequency not consistent with disease.

Breakthrough Genomics
Classification: Benign. Review status: criteria provided, single submitter. Criteria: ACMG Guidelines, 2015. Collection method: not provided. Allele origin: germline. Inheritance: Autosomal recessive inheritance. Affected: yes.